The following is an entry in ClinVar:

NM_000444.6(PHEX):c.2044del (p.Gln682fs)

Genes: PHEX (phosphate regulating endopeptidase X-linked; plus strand), PTCHD1-AS (PTCHD1 and PHEX antisense RNA; minus strand). Cytogenetic location: Xp22.11.
Variant type: Deletion.
Coding change: c.2044del on transcript NM_000444.6 (MANE Select); coding-DNA position 2044, one base deleted (C; older notation c.2044delC).
Protein change: p.Gln682fs; shifts the reading frame from glutamine 682.
Molecular consequence: frameshift variant. On other transcripts: non-coding transcript variant (1).
Genome position (GRCh38, 1-based): chrX:22,227,585, C deleted; the last of 2 consecutive C bases (chrX:22,227,584-22,227,585); deleting either gives the same sequence. VCF-style (leftmost placement, unchanged base first): chrX-22227583-AC-A. GRCh37 (hg19) VCF-style: chrX-22245700-AC-A.
Other names: c.2044del, p.Gln682fs (NM_001282754.2); short protein forms Q682fs.
Identifiers: ClinVar variation 1075060 (VCV001075060.9), dbSNP rs2147184785, ClinGen allele CA2499226589.

ClinVar aggregate classification (germline): Pathogenic (1 of 4 stars; one submission).

Submission:

Labcorp Genetics (formerly Invitae), Labcorp
Classification: Pathogenic. Last evaluated: 2020-10-07. Review status: criteria provided, single submitter. Criteria: Invitae Variant Classification Sherloc (09022015). Collection method: clinical testing. Allele origin: germline.
Comment: For these reasons, this variant has been classified as Pathogenic. Loss-of-function variants in PHEX are known to be pathogenic (PMID: 9097956, 9106524, 19219621). This variant has been observed in individual(s) with X-linked hypophosphatemia (invitae). This variant is not present in population databases (ExAC no frequency). This sequence change creates a premature translational stop signal (p.Gln682Serfs*5) in the PHEX gene. It is expected to result in an absent or disrupted protein product.

Literature cited by the submitters: PubMed 9097956; PubMed 9106524; PubMed 19219621.